The following is an entry in ClinVar:

ClinVar aggregate classification (germline): Uncertain significance. Review status: criteria provided, multiple submitters, no conflicts (2 of 4 stars). 4 submissions from 4 submitters: Uncertain significance (3). 1 of the submissions does not count toward it. Last evaluated 2022-11-17.

Conditions:
Sitosterolemia 1. Identifiers: MedGen C2749759, MONDO:0020747, OMIM 210250.
Cardiovascular phenotype. Identifiers: MedGen CN230736.

Allele frequency attached by ClinVar (database versions not stated): gnomAD exomes 0.00001; TOPMed 0.00002; ExAC 0.00001.

Submissions (4):

Ambry Genetics
Classification: Uncertain significance for Cardiovascular phenotype. Last evaluated: 2022-11-17. Review status: criteria provided, single submitter. Criteria: Ambry Variant Classification Scheme 2023. Collection method: clinical testing. Allele origin: germline.
Comment: The p.N462S variant (also known as c.1385A>G), located in coding exon 9 of the ABCG8 gene, results from an A to G substitution at nucleotide position 1385. The asparagine at codon 462 is replaced by serine, an amino acid with highly similar properties. This amino acid position is conserved. In addition, this alteration is predicted to be tolerated by in silico analysis. Since supporting evidence is limited at this time, the clinical significance of this alteration remains unclear.

Labcorp Genetics (formerly Invitae), Labcorp
Classification: Uncertain significance. Last evaluated: 2022-08-20. Review status: criteria provided, single submitter. Criteria: Invitae Variant Classification Sherloc (09022015). Collection method: clinical testing. Allele origin: germline.
Comment: This sequence change replaces asparagine, which is neutral and polar, with serine, which is neutral and polar, at codon 462 of the ABCG8 protein (p.Asn462Ser). This variant is present in population databases (rs769333089, gnomAD 0.003%). This variant has not been reported in the literature in individuals affected with ABCG8-related conditions. ClinVar contains an entry for this variant (Variation ID: 896597). Algorithms developed to predict the effect of missense changes on protein structure and function (SIFT, PolyPhen-2, Align-GVGD) all suggest that this variant is likely to be tolerated. Algorithms developed to predict the effect of sequence changes on RNA splicing suggest that this variant may create or strengthen a splice site. In summary, the available evidence is currently insufficient to determine the role of this variant in disease. Therefore, it has been classified as a Variant of Uncertain Significance.

Illumina Laboratory Services, Illumina
Classification: Uncertain significance for Sitosterolemia 1. Last evaluated: 2018-01-12. Review status: criteria provided, single submitter. Criteria: ICSL Variant Classification Criteria 13 December 2019. Collection method: clinical testing. Allele origin: germline.

Zotz-Klimas Genetics Lab, MVZ Zotz Klimas
Classification: Uncertain significance for Sitosterolemia 1. Last evaluated: 2023-11-24. Review status: no assertion criteria provided. Collection method: clinical testing. Allele origin: germline. Affected: yes. Not counted in ClinVar's aggregate classification.

NM_022437.3(ABCG8):c.1385A>G (p.Asn462Ser)

Gene: ABCG8 (ATP binding cassette subfamily G member 8; plus strand). Cytogenetic location: 2p21.
Variant type: single nucleotide variant.
Coding change: c.1385A>G on transcript NM_022437.3 (MANE Select); coding-DNA position 1385, A replaced by G.
Protein change: p.Asn462Ser; replaces asparagine 462 with serine.
Molecular consequence: missense variant.
Genome position (GRCh38, 1-based): chr2:43,873,960, A>G. VCF-style: chr2-43873960-A-G. GRCh37 (hg19) VCF-style: chr2-44101099-A-G.
Other names: c.1382A>G, p.Asn461Ser (NM_001357321.2); short protein forms N461S, N462S.
Identifiers: ClinVar variation 896597 (VCV000896597.11), dbSNP rs769333089, ClinGen allele CA1637417.